The following is an entry in ClinVar:

ClinVar aggregate classification (germline): Uncertain significance (1 of 4 stars; one submission).

Allele frequency attached by ClinVar (database versions not stated): gnomAD exomes 0.00001.

Submission:

Labcorp Genetics (formerly Invitae), Labcorp
Classification: Uncertain significance. Last evaluated: 2025-11-23. Review status: criteria provided, single submitter. Criteria: Invitae Variant Classification Sherloc (09022015). Collection method: clinical testing. Allele origin: germline.
Comment: This sequence change replaces alanine, which is neutral and non-polar, with threonine, which is neutral and polar, at codon 416 of the HYOU1 protein (p.Ala416Thr). This variant is present in population databases (rs782770261, gnomAD 0.0009%). This variant has not been reported in the literature in individuals affected with HYOU1-related conditions. ClinVar contains an entry for this variant (Variation ID: 2044035). Experimental studies and prediction algorithms are not available or were not evaluated, and the functional significance of this variant is currently unknown. In summary, the available evidence is currently insufficient to determine the role of this variant in disease. Therefore, it has been classified as a Variant of Uncertain Significance.

NM_006389.5(HYOU1):c.1246G>A (p.Ala416Thr)

Genes: HYOU1 (hypoxia up-regulated 1; minus strand), LOC130006884 (ATAC-STARR-seq lymphoblastoid active region 5617; plus strand). Cytogenetic location: 11q23.3.
Variant type: single nucleotide variant.
Coding change: c.1246G>A on transcript NM_006389.5 (MANE Select); coding-DNA position 1246, G replaced by A.
Protein change: p.Ala416Thr; replaces alanine 416 with threonine.
Molecular consequence: missense variant.
Genome position (GRCh38, 1-based): chr11:119,051,911, C>T on the plus strand (G>A on the coding strand, the complement: HYOU1 is on the minus strand). VCF-style: chr11-119051911-C-T. GRCh37 (hg19) VCF-style: chr11-118922623-C-T.
Other names: c.1246G>A, p.Ala416Thr (NM_001130991.3, NM_001411041.1); short protein forms A416T.
Identifiers: ClinVar variation 2044035 (VCV002044035.4), dbSNP rs782770261, ClinGen allele CA229622521.